The following is an entry in ClinVar:

NM_000295.5(SERPINA1):c.847A>T (p.Lys283Ter)

Gene: SERPINA1 (serpin family A member 1; minus strand). Cytogenetic location: 14q32.13.
Variant type: single nucleotide variant.
Coding change: c.847A>T on transcript NM_000295.5 (MANE Select); coding-DNA position 847, A replaced by T.
Protein change: p.Lys283Ter; replaces lysine 283 with a stop codon.
Molecular consequence: nonsense.
Genome position (GRCh38, 1-based): chr14:94,380,941, T>A on the plus strand (A>T on the coding strand, the complement: SERPINA1 is on the minus strand). VCF-style: chr14-94380941-T-A. GRCh37 (hg19) VCF-style: chr14-94847278-T-A.
Other names: c.847A>T, p.Lys283Ter (NM_001002235.3, NM_001002236.3, NM_001127700.2 and 7 more transcripts); short protein forms K283*.
Identifiers: ClinVar variation 2060342 (VCV002060342.6), dbSNP rs1566753359, ClinGen allele CA390848448.

ClinVar aggregate classification (germline): Pathogenic. Review status: criteria provided, multiple submitters, no conflicts (2 of 4 stars). 2 submissions from 2 submitters: Pathogenic (2). Last evaluated 2024-02-06.

Conditions:
Alpha-1-antitrypsin deficiency (A1ATD). Also called: AAT deficiency; A1AT deficiency; Alpha1-Antitrypsin Deficiency. Identifiers: Orphanet 60, MedGen C0221757, MONDO:0013282, OMIM 613490.

Allele frequency attached by ClinVar (database versions not stated): gnomAD exomes below 0.00001.
gnomAD v4.1: 1 of 1,614,190 alleles (0.000062%); highest among the groups gnomAD compares: Non-Finnish European, 0.000085%; no homozygotes.

Submissions (2):

Baylor Genetics
Classification: Pathogenic for Alpha-1-antitrypsin deficiency. Last evaluated: 2024-02-06. Review status: criteria provided, single submitter. Criteria: ACMG Guidelines, 2015. Collection method: clinical testing. Allele origin: unknown.

Labcorp Genetics (formerly Invitae), Labcorp
Classification: Pathogenic for Alpha-1-antitrypsin deficiency. Last evaluated: 2022-10-11. Review status: criteria provided, single submitter. Criteria: Invitae Variant Classification Sherloc (09022015). Collection method: clinical testing. Allele origin: germline.
Comment: This sequence change creates a premature translational stop signal (p.Lys283*) in the SERPINA1 gene. It is expected to result in an absent or disrupted protein product. Loss-of-function variants in SERPINA1 are known to be pathogenic (PMID: 25425243). This variant is not present in population databases (gnomAD no frequency). This premature translational stop signal has been observed in individual(s) with SERPINA1-related conditions (PMID: 22008137). For these reasons, this variant has been classified as Pathogenic.

Literature cited by the submitters: PubMed 25425243 (cited by Labcorp Genetics (formerly Invitae), Labcorp); PubMed 22008137 (cited by Labcorp Genetics (formerly Invitae), Labcorp).